The following is an entry in ClinVar:

NM_001378454.1(ALMS1):c.7541-180G>C

Gene: ALMS1 (ALMS1 centrosome and basal body associated protein; plus strand). Cytogenetic location: 2p13.1.
Variant type: single nucleotide variant.
Coding change: c.7541-180G>C on transcript NM_001378454.1 (MANE Select); 180 bases into the intron before coding-DNA position 7541, G replaced by C.
Molecular consequence: intron variant.
Genome position (GRCh38, 1-based): chr2:73,454,982, G>C. VCF-style: chr2-73454982-G-C. GRCh37 (hg19) VCF-style: chr2-73682109-G-C.
Other names: c.7541-180G>C (NM_015120.4); c.7544-180G>C (NM_015120.4).
Identifiers: ClinVar variation 679620 (VCV000679620.1), dbSNP rs17009070, ClinGen allele CA50399556.

ClinVar aggregate classification (germline): Likely benign (1 of 4 stars; one submission).

Allele frequency attached by ClinVar (database versions not stated): gnomAD 0.02247 and 0.02274; TOPMed 0.02988; 1000 Genomes Project 0.03055; 1000 Genomes Project 30x 0.03279.
gnomAD v4.1: 3,397 of 152,270 alleles (2.2%); highest among the groups gnomAD compares: Admixed American, 9%; 127 homozygotes.

Submission:

GeneDx
Classification: Likely benign. Last evaluated: 2018-06-16. Review status: criteria provided, single submitter. Criteria: GeneDx Variant Classification (06012015). Collection method: clinical testing. Allele origin: germline. Affected: yes.
Comment: This variant is considered likely benign or benign based on one or more of the following criteria: it is a conservative change, it occurs at a poorly conserved position in the protein, it is predicted to be benign by multiple in silico algorithms, and/or has population frequency not consistent with disease.